The following is an entry in ClinVar:

ClinVar aggregate classification (germline): Likely pathogenic (1 of 4 stars; one submission).

Conditions:
Mucopolysaccharidosis type 1. Also called: IDUA deficiency; MPS I; Mucopolysaccharidosis Type I. Identifiers: Orphanet 579, MedGen C0023786, MONDO:0001586.

Submission:

Labcorp Genetics (formerly Invitae), Labcorp
Classification: Likely pathogenic for Mucopolysaccharidosis type 1. Last evaluated: 2022-10-11. Review status: criteria provided, single submitter. Criteria: Invitae Variant Classification Sherloc (09022015). Collection method: clinical testing. Allele origin: germline.
Comment: This variant has not been reported in the literature in individuals affected with IDUA-related conditions. In summary, the currently available evidence indicates that the variant is pathogenic, but additional data are needed to prove that conclusively. Therefore, this variant has been classified as Likely Pathogenic. This variant disrupts the p.Arg363 amino acid residue in IDUA. Other variant(s) that disrupt this residue have been determined to be pathogenic (PMID: 21734815). This suggests that this residue is clinically significant, and that variants that disrupt this residue are likely to be disease-causing. Advanced modeling of protein sequence and biophysical properties (such as structural, functional, and spatial information, amino acid conservation, physicochemical variation, residue mobility, and thermodynamic stability) performed at Invitae indicates that this missense variant is expected to disrupt IDUA protein function. This sequence change replaces arginine, which is basic and polar, with serine, which is neutral and polar, at codon 363 of the IDUA protein (p.Arg363Ser). This variant is not present in population databases (gnomAD no frequency).

Literature cited by the submitters: PubMed 21734815.

NM_000203.5(IDUA):c.1087C>A (p.Arg363Ser)

Gene: IDUA (alpha-L-iduronidase; plus strand). Cytogenetic location: 4p16.3.
Variant type: single nucleotide variant.
Coding change: c.1087C>A on transcript NM_000203.5 (MANE Select); coding-DNA position 1087, C replaced by A.
Protein change: p.Arg363Ser; replaces arginine 363 with serine.
Molecular consequence: missense variant. On other transcripts: non-coding transcript variant (1).
Genome position (GRCh38, 1-based): chr4:1,002,383, C>A. VCF-style: chr4-1002383-C-A. GRCh37 (hg19) VCF-style: chr4-996171-C-A.
Other names: c.691C>A, p.Arg231Ser (NM_001363576.1); short protein forms R363S, R231S.
Identifiers: ClinVar variation 1909963 (VCV001909963.5), dbSNP rs750496798, ClinGen allele CA355963302.